The following is an entry in ClinVar:

ClinVar aggregate classification (germline): Uncertain significance. Review status: criteria provided, multiple submitters, no conflicts (2 of 4 stars). 2 submissions from 2 submitters: Uncertain significance (2). Last evaluated 2025-04-29.

Allele frequency attached by ClinVar (database versions not stated): gnomAD 0.00001; ExAC 0.00002; gnomAD exomes 0.00002; TOPMed 0.00008.
gnomAD v4.1: 32 of 1,613,934 alleles (0.002%); highest among the groups gnomAD compares: South Asian, 0.0077%; no homozygotes.

Submissions (2):

Ambry Genetics
Classification: Uncertain significance. Last evaluated: 2025-04-29. Review status: criteria provided, single submitter. Criteria: Ambry Variant Classification Scheme 2023. Collection method: clinical testing. Allele origin: germline.

Labcorp Genetics (formerly Invitae), Labcorp
Classification: Uncertain significance. Last evaluated: 2024-04-07. Review status: criteria provided, single submitter. Criteria: Invitae Variant Classification Sherloc (09022015). Collection method: clinical testing. Allele origin: germline.
Comment: This sequence change replaces arginine, which is basic and polar, with cysteine, which is neutral and slightly polar, at codon 543 of the FAT2 protein (p.Arg543Cys). This variant is present in population databases (rs758000074, gnomAD 0.01%). This variant has not been reported in the literature in individuals affected with FAT2-related conditions. Advanced modeling of protein sequence and biophysical properties (such as structural, functional, and spatial information, amino acid conservation, physicochemical variation, residue mobility, and thermodynamic stability) performed at Invitae indicates that this missense variant is not expected to disrupt FAT2 protein function with a negative predictive value of 80%. In summary, the available evidence is currently insufficient to determine the role of this variant in disease. Therefore, it has been classified as a Variant of Uncertain Significance.

NM_001447.3(FAT2):c.1627C>T (p.Arg543Cys)

Gene: FAT2 (FAT atypical cadherin 2; minus strand). Cytogenetic location: 5q33.1.
Variant type: single nucleotide variant.
Coding change: c.1627C>T on transcript NM_001447.3 (MANE Select); coding-DNA position 1627, C replaced by T.
Protein change: p.Arg543Cys; replaces arginine 543 with cysteine.
Molecular consequence: missense variant.
Genome position (GRCh38, 1-based): chr5:151,567,305, G>A on the plus strand (C>T on the coding strand, the complement: FAT2 is on the minus strand). VCF-style: chr5-151567305-G-A. GRCh37 (hg19) VCF-style: chr5-150946866-G-A.
Other names: c.1627C>T (NM_001447.2); short protein forms R543C.
Identifiers: ClinVar variation 2716882 (VCV002716882.4), dbSNP rs758000074, ClinGen allele CA3522226.